The following is an entry in ClinVar:

NM_003051.4(SLC16A1):c.169G>A (p.Glu57Lys)

Gene: SLC16A1 (solute carrier family 16 member 1; minus strand). Cytogenetic location: 1p13.2.
Variant type: single nucleotide variant.
Coding change: c.169G>A on transcript NM_003051.4 (MANE Select); coding-DNA position 169, G replaced by A.
Protein change: p.Glu57Lys; replaces glutamic acid 57 with lysine.
Molecular consequence: missense variant.
Genome position (GRCh38, 1-based): chr1:112,929,140, C>T on the plus strand (G>A on the coding strand, the complement: SLC16A1 is on the minus strand). VCF-style: chr1-112929140-C-T. GRCh37 (hg19) VCF-style: chr1-113471762-C-T.
Other names: c.169G>A, p.Glu57Lys (NM_001166496.2); short protein forms E57K.
Identifiers: ClinVar variation 3253555 (VCV003253555.3), dbSNP rs571088514.

ClinVar aggregate classification (germline): Uncertain significance. Review status: criteria provided, multiple submitters, no conflicts (2 of 4 stars). 2 submissions from 2 submitters: Uncertain significance (2). Last evaluated 2024-06-08.

Allele frequency attached by ClinVar (database versions not stated): ExAC 0.00002; gnomAD 0.00003; 1000 Genomes Project 30x 0.00016; 1000 Genomes Project 0.00020.
gnomAD v4.1: 15 of 1,613,950 alleles (0.00093%); highest among the groups gnomAD compares: Middle Eastern, 0.016%; 1 homozygote.

Submissions (2):

Labcorp Genetics (formerly Invitae), Labcorp
Classification: Uncertain significance. Last evaluated: 2024-06-08. Review status: criteria provided, single submitter. Criteria: Invitae Variant Classification Sherloc (09022015). Collection method: clinical testing. Allele origin: germline.
Comment: This sequence change replaces glutamic acid, which is acidic and polar, with lysine, which is basic and polar, at codon 57 of the SLC16A1 protein (p.Glu57Lys). This variant is present in population databases (rs571088514, gnomAD 0.01%). This variant has not been reported in the literature in individuals affected with SLC16A1-related conditions. An algorithm developed to predict the effect of missense changes on protein structure and function (PolyPhen-2) suggests that this variant is likely to be tolerated. In summary, the available evidence is currently insufficient to determine the role of this variant in disease. Therefore, it has been classified as a Variant of Uncertain Significance.

GeneDx
Classification: Uncertain significance. Last evaluated: 2023-12-05. Review status: criteria provided, single submitter. Criteria: GeneDx Variant Classification Process June 2021. Collection method: clinical testing. Allele origin: germline. Affected: yes.
Comment: In silico analysis supports that this missense variant does not alter protein structure/function; Has not been previously published as pathogenic or benign to our knowledge